The following is an entry in ClinVar:

NM_004380.3(CREBBP):c.6466C>T (p.Pro2156Ser)

Gene: CREBBP (CREB binding lysine acetyltransferase; minus strand). Cytogenetic location: 16p13.3.
Variant type: single nucleotide variant.
Coding change: c.6466C>T on transcript NM_004380.3 (MANE Select); coding-DNA position 6466, C replaced by T.
Protein change: p.Pro2156Ser; replaces proline 2156 with serine.
Molecular consequence: missense variant.
Genome position (GRCh38, 1-based): chr16:3,728,581, G>A on the plus strand (C>T on the coding strand, the complement: CREBBP is on the minus strand). VCF-style: chr16-3728581-G-A. GRCh37 (hg19) VCF-style: chr16-3778582-G-A.
Other names: c.6352C>T, p.Pro2118Ser (NM_001079846.1); short protein forms P2118S, P2156S.
Identifiers: ClinVar variation 4805801 (VCV004805801.1).

ClinVar aggregate classification (germline): Uncertain significance (1 of 4 stars; one submission).

Conditions:
Rubinstein-Taybi syndrome (RSTS). Identifiers: Orphanet 783, MedGen C0035934, MONDO:0019188.

gnomAD v4.1: 1 of 1,613,976 alleles (0.000062%); highest among the groups gnomAD compares: Non-Finnish European, 0.000085%; no homozygotes.

Submission:

Labcorp Genetics (formerly Invitae), Labcorp
Classification: Uncertain significance for Rubinstein-Taybi syndrome. Last evaluated: 2025-10-31. Review status: criteria provided, single submitter. Criteria: Invitae Variant Classification Sherloc (09022015). Collection method: clinical testing. Allele origin: germline.
Comment: This sequence change replaces proline, which is neutral and non-polar, with serine, which is neutral and polar, at codon 2156 of the CREBBP protein (p.Pro2156Ser). This variant is not present in population databases (gnomAD no frequency). This variant has not been reported in the literature in individuals affected with CREBBP-related conditions. Invitae Evidence Modeling of protein sequence and biophysical properties (such as structural, functional, and spatial information, amino acid conservation, physicochemical variation, residue mobility, and thermodynamic stability) indicates that this missense variant is not expected to disrupt CREBBP protein function with a negative predictive value of 95%. In summary, the available evidence is currently insufficient to determine the role of this variant in disease. Therefore, it has been classified as a Variant of Uncertain Significance.